The following is an entry in ClinVar:

NM_032217.5(ANKRD17):c.7393A>T (p.Ile2465Phe)

Gene: ANKRD17 (ankyrin repeat domain 17; minus strand). Cytogenetic location: 4q13.3.
Variant type: single nucleotide variant.
Coding change: c.7393A>T on transcript NM_032217.5 (MANE Select); coding-DNA position 7393, A replaced by T.
Protein change: p.Ile2465Phe; replaces isoleucine 2465 with phenylalanine.
Molecular consequence: missense variant.
Genome position (GRCh38, 1-based): chr4:73,078,657, T>A on the plus strand (A>T on the coding strand, the complement: ANKRD17 is on the minus strand). VCF-style: chr4-73078657-T-A. GRCh37 (hg19) VCF-style: chr4-73944374-T-A.
Other names: c.7054A>T, p.Ile2352Phe (NM_001286771.3); c.7390A>T, p.Ile2464Phe (NM_015574.2); c.6640A>T, p.Ile2214Phe (NM_198889.3); short protein forms I2464F, I2214F, I2352F, I2465F.
Identifiers: ClinVar variation 2621737 (VCV002621737.3), dbSNP rs1721252244, ClinGen allele CA357205995.

ClinVar aggregate classification (germline): Uncertain significance. Review status: criteria provided, multiple submitters, no conflicts (2 of 4 stars). 2 submissions from 2 submitters: Uncertain significance (2). Last evaluated 2025-09-24.

Conditions:
Inborn genetic diseases. Identifiers: MedGen C0950123, MeSH D030342.

Allele frequency attached by ClinVar (database versions not stated): gnomAD exomes below 0.00001.
gnomAD v4.1: 1 of 1,614,096 alleles (0.000062%); highest among the groups gnomAD compares: Non-Finnish European, 0.000085%; no homozygotes.

Submissions (2):

Women's Health and Genetics/Laboratory Corporation of America, LabCorp
Classification: Uncertain significance. Last evaluated: 2025-09-24. Review status: criteria provided, single submitter. Criteria: LabCorp Variant Classification Summary - May 2015. Collection method: clinical testing. Allele origin: germline.
Comment: Variant summary: ANKRD17 c.7393A>T (p.Ile2465Phe) results in a non-conservative amino acid change in the encoded protein sequence. Algorithms developed to predict the effect of missense changes on protein structure and function are either unavailable or do not agree on the potential impact of this missense change. The frequency data for this variant in gnomAD is considered unreliable, as metrics indicate poor data quality at this position. To our knowledge, no occurrence of c.7393A>T in individuals affected with ANKRD17-related conditions and no experimental evidence demonstrating its impact on protein function have been reported. ClinVar contains an entry for this variant (Variation ID: 2621737). Based on the evidence outlined above, the variant was classified as uncertain significance.

Ambry Genetics
Classification: Uncertain significance for Inborn genetic diseases. Last evaluated: 2023-08-28. Review status: criteria provided, single submitter. Criteria: Ambry Variant Classification Scheme 2023. Collection method: clinical testing. Allele origin: germline.